The following is an entry in ClinVar:

ClinVar aggregate classification (germline): Uncertain significance. Review status: criteria provided, multiple submitters, no conflicts (2 of 4 stars). 8 submissions from 7 submitters: Uncertain significance (8). Last evaluated 2025-12-03.

Conditions:
Cardiovascular phenotype. Identifiers: MedGen CN230736.
Hereditary cancer-predisposing syndrome. Also called: Tumor predisposition; Hereditary neoplastic syndrome; Hereditary Cancer Syndrome; Neoplastic Syndromes, Hereditary. Identifiers: Orphanet 140162, MedGen C0027672, MeSH D009386, MONDO:0015356.
Neurofibromatosis, familial spinal (FSNF). Identifiers: Orphanet 636, MedGen C1834235, MONDO:0008078, OMIM 162210. Disease mechanism: loss of function.
Neurofibromatosis, type 1 (NF1). Also called: VON RECKLINGHAUSEN DISEASE; Peripheral type neurofibromatosis; NEUROFIBROMATOSIS, TYPE I, SOMATIC; Neurofibromatosis, type I. Identifiers: Orphanet 636, MedGen C0027831, MONDO:0018975, OMIM 162200. Disease mechanism: loss of function.
Neurofibromatosis-Noonan syndrome (NFNS). Also called: NEUROFIBROMATOSIS WITH NOONAN PHENOTYPE. Identifiers: Orphanet 638, MedGen C2931482, MONDO:0011035, OMIM 601321. Disease mechanism: loss of function.
Café-au-lait macules with pulmonary stenosis (WTSN). Also called: PULMONIC STENOSIS WITH CAFE-AU-LAIT SPOTS. Identifiers: MedGen C0553586, MONDO:0008672, OMIM 193520.
Juvenile myelomonocytic leukemia (JMML). Also called: LEUKEMIA, JUVENILE MYELOMONOCYTIC, SOMATIC. Identifiers: Orphanet 86834, MedGen C0349639, MONDO:0011908, OMIM 607785, HP:0012209.

Allele frequency attached by ClinVar (database versions not stated): gnomAD 0.00001; ExAC 0.00001; TOPMed 0.00002; gnomAD exomes below 0.00001.
gnomAD v4.1: 3 of 1,613,826 alleles (0.00019%); highest among the groups gnomAD compares: Admixed American, 0.0017%; no homozygotes.

Submissions (8):

Labcorp Genetics (formerly Invitae), Labcorp
Classification: Uncertain significance for Neurofibromatosis, type 1. Last evaluated: 2025-12-03. Review status: criteria provided, single submitter. Criteria: Invitae Variant Classification Sherloc (09022015). Collection method: clinical testing. Allele origin: germline.
Comment: This sequence change replaces serine, which is neutral and polar, with alanine, which is neutral and non-polar, at codon 1164 of the NF1 protein (p.Ser1164Ala). This variant is present in population databases (rs750303863, gnomAD 0.0009%). This variant has not been reported in the literature in individuals affected with NF1-related conditions. ClinVar contains an entry for this variant (Variation ID: 231861). Invitae Evidence Modeling of protein sequence and biophysical properties (such as structural, functional, and spatial information, amino acid conservation, physicochemical variation, residue mobility, and thermodynamic stability) has been performed for this missense variant. However, the output from this modeling did not meet the statistical confidence thresholds required to predict the impact of this variant on NF1 protein function. In summary, the available evidence is currently insufficient to determine the role of this variant in disease. Therefore, it has been classified as a Variant of Uncertain Significance.

Dasa
Classification: Uncertain significance. Last evaluated: 2025-12-01. Review status: criteria provided, single submitter. Criteria: DASA Assertion Criteria. Collection method: clinical testing. Allele origin: germline.
Comment: NM_001042492.3(NF1):c.3490T>G (p.Ser1164Ala) is a missense variant that results in the substitution of serine with alanine. This variant is rare in population databases. The currently available literature and clinical evidence are not sufficient to establish a definitive association between this variant and the reported condition. Therefore, this variant is classified as a variant of uncertain significance.

GeneDx
Classification: Uncertain significance. Last evaluated: 2024-03-08. Review status: criteria provided, single submitter. Criteria: GeneDx Variant Classification Process June 2021. Collection method: clinical testing. Allele origin: germline. Affected: yes.
Comment: Not observed at significant frequency in large population cohorts (gnomAD); In silico analysis supports that this missense variant does not alter protein structure/function; Has not been previously published as pathogenic or benign to our knowledge; This variant is associated with the following publications: (PMID: 30274822, 25486365, 2121369, 22807134)

Baylor Genetics
Classification: Uncertain significance for Juvenile myelomonocytic leukemia. Last evaluated: 2023-05-30. Review status: criteria provided, single submitter. Criteria: ACMG Guidelines, 2015. Collection method: clinical testing. Allele origin: unknown.

Ambry Genetics
Classification: Uncertain significance for Cardiovascular phenotype; Hereditary cancer-predisposing syndrome. Last evaluated: 2022-07-27. Review status: criteria provided, single submitter. Criteria: Ambry Variant Classification Scheme 2023. Collection method: clinical testing. Allele origin: germline.

Genome-Nilou Lab
Classification: Uncertain significance for Neurofibromatosis, type 1. Last evaluated: 2022-03-15. Review status: criteria provided, single submitter. Criteria: ACMG Guidelines, 2015. Collection method: clinical testing. Allele origin: germline. Affected: no.

Fulgent Genetics
Classification: Uncertain significance for Neurofibromatosis, type 1; Neurofibromatosis, familial spinal; Café-au-lait macules with pulmonary stenosis; Neurofibromatosis-Noonan syndrome; Juvenile myelomonocytic leukemia. Last evaluated: 2021-10-12. Review status: criteria provided, single submitter. Criteria: ACMG Guidelines, 2015. Collection method: clinical testing. Allele origin: unknown.

Ambry Genetics
Classification: Uncertain significance for Hereditary cancer-predisposing syndrome. Last evaluated: 2015-05-15. Review status: criteria provided, single submitter. Criteria: Ambry Autosomal Dominant and X-Linked criteria (10/2015). Collection method: clinical testing. Allele origin: germline. Observed: 1 variant allele.
Comment: The p.S1164A variant (also known as c.3490T>G), located in coding exon 26 of the NF1 gene, results from a T to G substitution at nucleotide position 3490. The serine at codon 1164 is replaced by alanine, an amino acid with similar properties. This variant was not reported in population based cohorts in the following databases: Database of Single Nucleotide Polymorphisms (dbSNP), NHLBI Exome Sequencing Project (ESP), and 1000 Genomes Project. In the ESP, this variant was not observed in 6503 samples (13006 alleles) with coverage at this position. To date, this alteration has been detected with an allele frequency of approximately 0.002% (greater than 55000alleles tested) in our clinical cohort.This amino acid position is highly conserved in available vertebrate species. In addition, this alteration is predicted to be tolerated by in silico analysis.Since supporting evidence is limited at this time, the clinical significance of p.S1164Aremains unclear.

NM_001042492.3(NF1):c.3490T>G (p.Ser1164Ala)

Gene: NF1 (neurofibromin 1; plus strand). Cytogenetic location: 17q11.2.
Variant type: single nucleotide variant.
Coding change: c.3490T>G on transcript NM_001042492.3 (MANE Select); coding-DNA position 3490, T replaced by G.
Protein change: p.Ser1164Ala; replaces serine 1164 with alanine.
Molecular consequence: missense variant.
Genome position (GRCh38, 1-based): chr17:31,232,875, T>G. VCF-style: chr17-31232875-T-G. GRCh37 (hg19) VCF-style: chr17-29559893-T-G.
Other names: c.3490T>G, p.Ser1164Ala (NM_000267.4); short protein forms S1164A.
Identifiers: ClinVar variation 231861 (VCV000231861.16), dbSNP rs750303863, ClinGen allele CA8486169.
Genomic context (GRCh38, chr17:31,232,875, plus strand): 5'-TGTACGGTCCTTGCAATGTCAAACTTACTCAATGCCAACGTAGACAGTGGTCTCATGCAC[T>G]CCATAGGTGAGATCAAATGAAAGTTTCATATAGAAATACAAAACCTAGAGAACTGGCATG-3'
Protein context (NP_001035957.1, residues 1154-1174): NANVDSGLMH[Ser1164Ala]IGLGYHKDLQ